The following is an entry in ClinVar:

ClinVar aggregate classification (germline): Benign. Review status: criteria provided, multiple submitters, no conflicts (2 of 4 stars). 7 submissions from 7 submitters: Benign (4). 3 of the submissions do not count toward it. Last evaluated 2026-02-04.

Conditions:
Deafness-encephaloneuropathy-obesity-valvulopathy syndrome. Identifiers: Orphanet 254898, MedGen C3553354, MONDO:0013837, OMIM 614651.

Submissions (7):

Labcorp Genetics (formerly Invitae), Labcorp
Classification: Benign. Last evaluated: 2026-02-04. Review status: criteria provided, single submitter. Criteria: Invitae Variant Classification Sherloc (09022015). Collection method: clinical testing. Allele origin: germline.

Blueprint Genetics
Classification: Benign. Last evaluated: 2024-11-27. Review status: criteria provided, single submitter. Criteria: ACMG Guidelines, 2015. Collection method: clinical testing. Allele origin: germline.

Genome-Nilou Lab
Classification: Benign for Deafness-encephaloneuropathy-obesity-valvulopathy syndrome. Last evaluated: 2021-09-05. Review status: criteria provided, single submitter. Criteria: ACMG Guidelines, 2015. Collection method: clinical testing. Allele origin: germline. Affected: no.

GeneDx
Classification: Benign. Last evaluated: 2012-04-17. Review status: criteria provided, single submitter. Criteria: GeneDx Variant Classification (06012015). Collection method: clinical testing. Allele origin: germline. Affected: yes.
Comment: This variant is considered likely benign or benign based on one or more of the following criteria: it is a conservative change, it occurs at a poorly conserved position in the protein, it is predicted to be benign by multiple in silico algorithms, and/or has population frequency not consistent with disease.

Mayo Clinic Laboratories, Mayo Clinic
Classification: Benign. Last evaluated: 2016-02-19. Review status: no assertion criteria provided. Collection method: clinical testing. Allele origin: unknown. Not counted in ClinVar's aggregate classification.

Clinical Genetics, Academic Medical Center
Classification: Benign. Review status: no assertion criteria provided. Collection method: clinical testing. Allele origin: germline. Affected: yes. Study: VKGL Data-share Consensus. Not counted in ClinVar's aggregate classification.

Diagnostic Laboratory, Department of Genetics, University Medical Center Groningen
Classification: Benign. Review status: no assertion criteria provided. Collection method: clinical testing. Allele origin: germline. Affected: yes. Study: VKGL Data-share Consensus. Not counted in ClinVar's aggregate classification.

NM_014317.5(PDSS1):c.163-5del

Gene: PDSS1 (decaprenyl diphosphate synthase subunit 1; plus strand). Cytogenetic location: 10p12.1.
Variant type: Deletion.
Coding change: c.163-5del on transcript NM_014317.5 (MANE Select); 5 bases into the intron before coding-DNA position 163, one base deleted (T; older notation c.163-5delT).
Molecular consequence: intron variant.
Genome position (GRCh38, 1-based): chr10:26,704,672, T deleted; the last of 4 consecutive T bases (chr10:26,704,669-26,704,672); deleting any one gives the same sequence. VCF-style (leftmost placement, unchanged base first): chr10-26704668-AT-A. GRCh37 (hg19) VCF-style: chr10-26993597-AT-A.
Other names: c.163-5delT (NM_014317.5, NM_014317.3); c.-431-5del (NM_001321979.2); c.163-5del (NM_001321978.2).
Identifiers: ClinVar variation 214982 (VCV000214982.23), dbSNP rs34296355, ClinGen allele CA321867.